The following is an entry in ClinVar:

NM_000384.3(APOB):c.1614C>T (p.Asp538=)

Gene: APOB (apolipoprotein B; minus strand). Cytogenetic location: 2p24.1.
Variant type: single nucleotide variant.
Coding change: c.1614C>T on transcript NM_000384.3 (MANE Select); coding-DNA position 1614, C replaced by T.
Protein change: p.Asp538=; no amino-acid change (aspartic acid 538 retained).
Molecular consequence: synonymous variant.
Genome position (GRCh38, 1-based): chr2:21,029,642, G>A on the plus strand (C>T on the coding strand, the complement: APOB is on the minus strand). VCF-style: chr2-21029642-G-A. GRCh37 (hg19) VCF-style: chr2-21252514-G-A.
Identifiers: ClinVar variation 2023980 (VCV002023980.5), dbSNP rs1663826977, ClinGen allele CA425138177.

ClinVar aggregate classification (germline): Likely benign. Review status: criteria provided, multiple submitters, no conflicts (2 of 4 stars). 2 submissions from 2 submitters: Likely benign (2). Last evaluated 2023-05-07.

Conditions:
Familial hypobetalipoproteinemia 1. Also called: Hypobetalipoproteinemia, normotriglyceridemic; Acanthocytosis with hypobetalipoproteinemia; APOB-Related Familial Hypobetalipoproteinemia. Identifiers: MedGen C4551990, MONDO:0014252, OMIM 615558.
Hypercholesterolemia, autosomal dominant, type B (FHCL2). Also called: Familial Hypercholesterolemia Type B; APOLIPOPROTEIN B-100, FAMILIAL DEFECTIVE; APOLIPOPROTEIN B-100, FAMILIAL LIGAND-DEFECTIVE; HYPERCHOLESTEROLEMIA, FAMILIAL, DUE TO LIGAND-DEFECTIVE APOLIPOPROTEIN B; Hyperlipoproteinemia Type IIb; APOB-Related Familial Hypercholesterolemia, Autosomal Dominant. Identifiers: MedGen C1704417, MONDO:0007751, OMIM 144010.
Familial hypercholesterolemia. Also called: Familial hypercholesterolemias; Familial hypercholesterolaemia. Identifiers: MedGen C0020445, MONDO:0005439.

Submissions (2):

GENinCode PLC
Classification: Likely benign for Familial hypercholesterolemia. Last evaluated: 2023-05-07. Review status: criteria provided, single submitter. Criteria: ACMG Guidelines, 2015. Collection method: clinical testing. Allele origin: germline.
Comment: This is a synonymous (silent) variant that is not predicted by SpliceAI to impact splicing. In addition, it occurs at a nucleotide that is not conserved. Therefore this variant has been classified as Likely Benign (BP4, BP7).

Labcorp Genetics (formerly Invitae), Labcorp
Classification: Likely benign for Familial hypobetalipoproteinemia 1; Hypercholesterolemia, autosomal dominant, type B. Last evaluated: 2022-08-13. Review status: criteria provided, single submitter. Criteria: Invitae Variant Classification Sherloc (09022015). Collection method: clinical testing. Allele origin: germline.